The following is an entry in ClinVar:

ClinVar aggregate classification (germline): Uncertain significance (1 of 4 stars; one submission).

Conditions:
Neuronopathy, distal hereditary motor, autosomal recessive 4. Also called: Autosomal recessive lower motor neuron disease with childhood onset; NEUROPATHY, DISTAL HEREDITARY MOTOR, AUTOSOMAL RECESSIVE 4. Identifiers: Orphanet 206580, MedGen C1970211, MONDO:0012608, OMIM 611067.
Charcot-Marie-Tooth disease recessive intermediate C. Also called: CHARCOT-MARIE-TOOTH NEUROPATHY, RECESSIVE INTERMEDIATE C. Identifiers: Orphanet 369867, MedGen C3809309, MONDO:0014154, OMIM 615376.

Allele frequency attached by ClinVar (database versions not stated): gnomAD exomes below 0.00001; ExAC 0.00001; gnomAD 0.00001; TOPMed 0.00001.
gnomAD v4.1: 32 of 1,612,106 alleles (0.002%); highest among the groups gnomAD compares: Non-Finnish European, 0.0025%; no homozygotes.

Submission:

Labcorp Genetics (formerly Invitae), Labcorp
Classification: Uncertain significance for Neuronopathy, distal hereditary motor, autosomal recessive 4; Charcot-Marie-Tooth disease recessive intermediate C. Last evaluated: 2022-06-23. Review status: criteria provided, single submitter. Criteria: Invitae Variant Classification Sherloc (09022015). Collection method: clinical testing. Allele origin: germline.
Comment: This sequence change replaces arginine, which is basic and polar, with histidine, which is basic and polar, at codon 8 of the PLEKHG5 protein (p.Arg8His). The frequency data for this variant in the population databases is considered unreliable, as metrics indicate poor data quality at this position in the gnomAD database. This variant has not been reported in the literature in individuals affected with PLEKHG5-related conditions. ClinVar contains an entry for this variant (Variation ID: 1015303). Algorithms developed to predict the effect of missense changes on protein structure and function are either unavailable or do not agree on the potential impact of this missense change (SIFT: "Deleterious"; PolyPhen-2: "Probably Damaging"; Align-GVGD: "Class C0"). In summary, the available evidence is currently insufficient to determine the role of this variant in disease. Therefore, it has been classified as a Variant of Uncertain Significance.

NM_020631.6(PLEKHG5):c.23G>A (p.Arg8His)

Genes: PLEKHG5 (pleckstrin homology and RhoGEF domain containing G5; minus strand), LOC126805598 (MED14-independent group 3 enhancer GRCh37_chr1:6536823-6538022; plus strand). Cytogenetic location: 1p36.31.
Variant type: single nucleotide variant.
Coding change: c.23G>A on transcript NM_020631.6 (MANE Select); coding-DNA position 23, G replaced by A.
Protein change: p.Arg8His; replaces arginine 8 with histidine.
Molecular consequence: missense variant.
Genome position (GRCh38, 1-based): chr1:6,477,549, C>T on the plus strand (G>A on the coding strand, the complement: PLEKHG5 is on the minus strand). VCF-style: chr1-6477549-C-T. GRCh37 (hg19) VCF-style: chr1-6537609-C-T.
Other names: c.134G>A, p.Arg45His (NM_001042663.3, NM_001265592.2); c.23G>A, p.Arg8His (NM_001042664.2, NM_001042665.2, NM_001265594.3 and 1 more transcripts); c.230G>A, p.Arg77His (NM_001265593.2); short protein forms R45H, R77H, R8H.
Identifiers: ClinVar variation 1015303 (VCV001015303.6), dbSNP rs779969203, ClinGen allele CA562043.